The following is an entry in ClinVar:

ClinVar aggregate classification (germline): Uncertain significance. Review status: criteria provided, multiple submitters, no conflicts (2 of 4 stars). 2 submissions from 2 submitters: Uncertain significance (2). Last evaluated 2026-07-07.

Conditions:
LSR-related condition.

Submissions (2):

PreventionGenetics, part of Exact Sciences
Classification: Uncertain significance for LSR-related condition. Last evaluated: 2026-07-07. Review status: criteria provided, single submitter. Criteria: ACMG Guidelines, 2015. Collection method: clinical testing. Allele origin: germline.
Comment: The LSR c.1552G>A variant is predicted to result in the amino acid substitution p.Gly518Arg. To our knowledge, this variant has not been reported in the literature or in a large population database (gnomAD), indicating this variant is rare. At this time, the clinical significance of this variant is uncertain due to the absence of conclusive functional and genetic evidence.

Ambry Genetics
Classification: Uncertain significance. Last evaluated: 2025-09-11. Review status: criteria provided, single submitter. Criteria: Ambry Variant Classification Scheme 2023. Collection method: clinical testing. Allele origin: germline.

NM_205834.4(LSR):c.1408G>A (p.Gly470Arg)

Gene: LSR (lipolysis stimulated lipoprotein receptor; plus strand). Cytogenetic location: 19q13.12.
Variant type: single nucleotide variant.
Coding change: c.1408G>A on transcript NM_205834.4 (MANE Select); coding-DNA position 1408, G replaced by A.
Protein change: p.Gly470Arg; replaces glycine 470 with arginine.
Molecular consequence: missense variant.
Genome position (GRCh38, 1-based): chr19:35,267,372, G>A. VCF-style: chr19-35267372-G-A. GRCh37 (hg19) VCF-style: chr19-35758275-G-A.
Other names: c.1552G>A (NM_205834.3); c.1201G>A, p.Gly401Arg (NM_001385215.1); c.1351G>A, p.Gly451Arg (NM_015925.7); c.1204G>A, p.Gly402Arg (NM_205835.4); c.1348G>A, p.Gly450Arg (NM_001260489.2); c.1084G>A, p.Gly362Arg (NM_001260490.2); short protein forms G362R, G450R, G470R, G401R, G402R, G451R.
Identifiers: ClinVar variation 4101164 (VCV004101164.2).